The following is an entry in ClinVar:

ClinVar aggregate classification (germline): Uncertain significance (1 of 4 stars; one submission).

Conditions:
Cardiovascular phenotype. Identifiers: MedGen CN230736.

Submission:

Ambry Genetics
Classification: Uncertain significance for Cardiovascular phenotype. Last evaluated: 2026-05-29. Review status: criteria provided, single submitter. Criteria: Ambry Variant Classification Scheme 2023. Collection method: clinical testing. Allele origin: germline.
Comment: The c.990_995delTCAGGC variant (also known as p.Q331_A332del) is located in coding exon 6 of the TTN gene. This variant results from an in-frame TCAGGC deletion at nucleotide positions 990 to 995. This results in the in-frame deletion of two residues (QA) at codon 331. This exon is located in the Z-disk region of the N2-B isoform of the titin protein and is constitutively expressed in TTN transcripts (percent spliced in or PSI 100%). This amino acid region ranges from well conserved to poorly conserved in available vertebrate species. In addition, this variant is predicted to be deleterious by in silico analysis (Choi Y et al. PLoS ONE. 2012; 7(10):e46688). Since supporting evidence is limited at this time, the clinical significance of this alteration remains unclear.

NM_001267550.2(TTN):c.990_995del (p.Gln331_Ala332del)

Gene: TTN (titin; minus strand). Cytogenetic location: 2q31.2.
Variant type: Deletion.
Coding change: c.990_995del on transcript NM_001267550.2 (MANE Select); coding-DNA positions 990 to 995, 6 bases deleted (TCAGGC; older notation c.990_995delTCAGGC).
Protein change: p.Gln331_Ala332del.
Molecular consequence: inframe deletion.
Genome position (GRCh38, 1-based): chr2:178,795,172-178,795,177, GCCTGA deleted on the plus strand (TCAGGC on the coding strand, the reverse complement: TTN is on the minus strand); deleting any 6 consecutive bases within chr2:178,795,172-178,795,178 gives the same sequence; the c. name uses the placement nearest the transcript's 3' end. VCF-style (leftmost placement, unchanged base first): chr2-178795171-TGCCTGA-T. GRCh37 (hg19) VCF-style: chr2-179659898-TGCCTGA-T.
Other names: c.990_995del, p.Gln331_Ala332del (NM_001256850.1, NM_003319.4, NM_133378.4 and 3 more transcripts); c.990_995delTCAGGC (NM_003319.4).
Identifiers: ClinVar variation 4866172 (VCV004866172.1).
Genomic context (GRCh38, chr2:178,795,171, plus strand): 5'-GGCCACGTAGCCCTCTTGCTTCCAAGGGGGAGGCACTTCAGGACCTGTGGCCACGGTGGA[TGCCTGA>T]GTCTTACGCATGAGCAATGGAGACCTAACAGACCTGATGGGGGATGTGGAGATTCTTGCT-3'